The following is an entry in ClinVar:

ClinVar aggregate classification (germline): Conflicting classifications of pathogenicity. Review status: criteria provided, conflicting classifications (1 of 4 stars). 2 submissions from 2 submitters: Pathogenic (1); Uncertain significance (1). Last evaluated 2025-02-19.

gnomAD v4.1: 17 of 1,613,304 alleles (0.0011%); highest among the groups gnomAD compares: South Asian, 0.0033%; no homozygotes.

Submissions (2):

Mayo Clinic Laboratories, Mayo Clinic
Classification: Pathogenic. Last evaluated: 2025-02-19. Review status: criteria provided, single submitter. Criteria: ACMG Guidelines, 2015. Collection method: clinical testing. Allele origin: germline. Observed: 1 variant allele.
Comment: PP3_moderate, PM2_supporting, PM3_supporting, PM5, PS4

Blueprint Genetics
Classification: Uncertain significance. Last evaluated: 2021-05-11. Review status: criteria provided, single submitter. Criteria: ACMG Guidelines, 2015. Collection method: clinical testing. Allele origin: germline.

Literature cited by the submitters: PubMed 22529288 (cited by Mayo Clinic Laboratories, Mayo Clinic); PubMed 22981442 (cited by Mayo Clinic Laboratories, Mayo Clinic); PubMed 23346910 (cited by Mayo Clinic Laboratories, Mayo Clinic); PubMed 34789164 (cited by Mayo Clinic Laboratories, Mayo Clinic); PubMed 36498688 (cited by Mayo Clinic Laboratories, Mayo Clinic); PubMed 37647632 (cited by Mayo Clinic Laboratories, Mayo Clinic); PubMed 38935915 (cited by Mayo Clinic Laboratories, Mayo Clinic).

NM_139027.6(ADAMTS13):c.578G>A (p.Arg193Gln)

Gene: ADAMTS13 (ADAM metallopeptidase with thrombospondin type 1 motif 13; plus strand). Cytogenetic location: 9q34.2.
Variant type: single nucleotide variant.
Coding change: c.578G>A on transcript NM_139027.6 (MANE Select); coding-DNA position 578, G replaced by A.
Protein change: p.Arg193Gln; replaces arginine 193 with glutamine.
Molecular consequence: missense variant. On other transcripts: non-coding transcript variant (1).
Genome position (GRCh38, 1-based): chr9:133,426,237, G>A. VCF-style: chr9-133426237-G-A. GRCh37 (hg19) VCF-style: chr9-136291357-G-A.
Other names: p.Arg193Gln; c.578G>A, p.Arg193Gln (NM_139025.5, NM_139026.6); short protein forms R193Q.
Identifiers: ClinVar variation 4541497 (VCV004541497.2).